The following is an entry in ClinVar:

ClinVar aggregate classification (germline): Benign/Likely benign. Review status: criteria provided, multiple submitters, no conflicts (2 of 4 stars). 5 submissions from 5 submitters: Benign (1); Likely benign (4). Last evaluated 2025-11-13.

Conditions:
Familial cancer of breast. Also called: Hereditary breast cancer; hereditary breast carcinoma; BREAST CANCER, FAMILIAL. Identifiers: Orphanet 227535, MedGen C0346153, MONDO:0016419, OMIM 114480. Disease mechanism: loss of function.
Hereditary cancer-predisposing syndrome. Also called: Hereditary neoplastic syndrome; Tumor predisposition; Hereditary Cancer Syndrome; Neoplastic Syndromes, Hereditary. Identifiers: Orphanet 140162, MedGen C0027672, MeSH D009386, MONDO:0015356.

Allele frequency attached by ClinVar (database versions not stated): gnomAD exomes below 0.00001.
gnomAD v4.1: 2 of 1,614,024 alleles (0.00012%); highest among the groups gnomAD compares: Non-Finnish European, 0.00017%; no homozygotes.

Submissions (5):

Labcorp Genetics (formerly Invitae), Labcorp
Classification: Likely benign for Familial cancer of breast. Last evaluated: 2025-11-13. Review status: criteria provided, single submitter. Criteria: Invitae Variant Classification Sherloc (09022015). Collection method: clinical testing. Allele origin: germline.

Quest Diagnostics Nichols Institute San Juan Capistrano
Classification: Likely benign. Last evaluated: 2025-01-08. Review status: criteria provided, single submitter. Criteria: Quest Diagnostics criteria. Collection method: clinical testing. Allele origin: unknown.

Myriad Genetics, Inc.
Classification: Benign for Familial cancer of breast. Last evaluated: 2024-10-01. Review status: criteria provided, single submitter. Criteria: Myriad Autosomal Dominant, Autosomal Recessive and X-Linked Classification Criteria (2023). Collection method: clinical testing. Allele origin: unknown.
Comment: This variant is considered benign. This variant is a silent/synonymous amino acid change and it is not expected to impact splicing.

Ambry Genetics
Classification: Likely benign for Hereditary cancer-predisposing syndrome. Last evaluated: 2021-08-07. Review status: criteria provided, single submitter. Criteria: Ambry Variant Classification Scheme 2023. Collection method: clinical testing. Allele origin: germline.

Color Diagnostics, LLC DBA Color Health
Classification: Likely benign for Hereditary cancer-predisposing syndrome. Last evaluated: 2015-11-25. Review status: criteria provided, single submitter. Criteria: ACMG Guidelines, 2015. Collection method: clinical testing. Allele origin: germline.

NM_007194.4(CHEK2):c.171T>C (p.Ser57=)

Gene: CHEK2 (checkpoint kinase 2; minus strand). Cytogenetic location: 22q12.1.
Variant type: single nucleotide variant.
Coding change: c.171T>C on transcript NM_007194.4 (MANE Select); coding-DNA position 171, T replaced by C.
Protein change: p.Ser57=; no amino-acid change (serine 57 retained).
Molecular consequence: synonymous variant.
Genome position (GRCh38, 1-based): chr22:28,734,551, A>G on the plus strand (T>C on the coding strand, the complement: CHEK2 is on the minus strand). VCF-style: chr22-28734551-A-G. GRCh37 (hg19) VCF-style: chr22-29130539-A-G.
Other names: c.171T>C, p.Ser57= (NM_001005735.3, NM_001349956.3, NM_145862.3); c.-607T>C (NM_001257387.3).
Identifiers: ClinVar variation 491608 (VCV000491608.19), dbSNP rs1555932401, ClinGen allele CA513946565.
Genomic context (GRCh38, chr22:28,734,551, plus strand): 5'-GTCCTCAGGAATAGAATAGAGTTCCTGAGTGGACACTGTCTCTAAGGAGCTCAGTGTCCC[A>G]GAGCTGGAGTGAGAGGACTGGCTGGAGTTTGGCATCGTGCTGGTAGAGGAGCTGGATATG-3'
Protein context (NP_009125.1, residues 47-67): PNSSQSSHSS[Ser57=]GTLSSLETVS